The following is an entry in ClinVar:

ClinVar aggregate classification (germline): Pathogenic/Likely pathogenic. Review status: criteria provided, multiple submitters, no conflicts (2 of 4 stars). 9 submissions from 8 submitters: Pathogenic (5); Likely pathogenic (4). Last evaluated 2026-01-22.

Conditions:
Neu-Laxova syndrome 1 (NLS1). Identifiers: Orphanet 2671, Orphanet 583607, MedGen C4551478, MONDO:0009736, OMIM 256520. Disease mechanism: loss of function.
PHGDH deficiency. Identifiers: Orphanet 79351, MedGen C1866174, MONDO:0011152, OMIM 601815.

Allele frequency attached by ClinVar (database versions not stated): gnomAD 0.00001; gnomAD exomes 0.00001 and 0.00002; TOPMed 0.00001; ExAC 0.00002.
gnomAD v4.1: 21 of 1,603,962 alleles (0.0013%); highest among the groups gnomAD compares: East Asian, 0.0067%; no homozygotes.

Submissions (9):

Victorian Clinical Genetics Services, Murdoch Childrens Research Institute
Classification: Pathogenic for PHGDH deficiency. Last evaluated: 2026-01-22. Review status: criteria provided, single submitter. Criteria: ACMG Guidelines, 2015. Collection method: clinical testing. Allele origin: germline. Affected: yes.
Comment: This variant is classified as Pathogenic. Evidence in support of pathogenic classification: Variant is predicted to cause nonsense-mediated decay (NMD) and loss of protein (premature termination codon is located at least 54 nucleotides upstream of the final exon-exon junction); Variant is present in gnomAD <0.01 for a recessive condition (v4: 21 heterozygote(s), 0 homozygote(s)); This variant has strong previous evidence of pathogenicity in unrelated individuals. This variant has been classified as likely pathogenic/pathogenic by clinical laboratories in ClinVar; Other NMD-predicted variants comparable to the one identified in this case have very strong previous evidence for pathogenicity (DECIPHER). Additional information: This variant is heterozygous; This gene is associated with autosomal recessive disease; Loss of function is a known mechanism of disease in this gene and is associated with the allelic disorders Neu-Laxova syndrome 1 (MIM#256520), and phosphoglycerate dehydrogenase deficiency (MIM#601815). Neu-Laxova syndrome 1 represents the more severe phenotype of the two disorders, usually resulting in neonatal death (OMIM). Disease severity likely depends on residual enzyme activity (PMID: 32579715; 24836451); Inheritance information for this variant is not currently available in this individual.

Natera, Inc.
Classification: Likely pathogenic for Phosphoglycerate dehydrogenase deficiency. Last evaluated: 2025-10-17. Review status: criteria provided, single submitter. Criteria: Natera Variant Classification Schema (03/2026). Collection method: clinical testing. Allele origin: germline.
Comment: The c.1030C>T variant in PHGDH is a nonsense variant predicted to introduce a stop codon at amino acid 344. This variant is expected to result in nonsense mediated decay, truncation, or a dysfunctional protein product. This variant is rare in the general population with a frequency below the threshold expected for the associated phenotype(s). Given the available evidence, this variant is classified as Likely Pathogenic.

Labcorp Genetics (formerly Invitae), Labcorp
Classification: Pathogenic for PHGDH deficiency. Last evaluated: 2024-04-15. Review status: criteria provided, single submitter. Criteria: Invitae Variant Classification Sherloc (09022015). Collection method: clinical testing. Allele origin: germline.
Comment: This sequence change creates a premature translational stop signal (p.Arg344*) in the PHGDH gene. It is expected to result in an absent or disrupted protein product. Loss-of-function variants in PHGDH are known to be pathogenic (PMID: 14645240, 24836451). The frequency data for this variant in the population databases is considered unreliable, as metrics indicate poor data quality at this position in the gnomAD database. This variant has not been reported in the literature in individuals affected with PHGDH-related conditions. ClinVar contains an entry for this variant (Variation ID: 522743). Algorithms developed to predict the effect of sequence changes on RNA splicing suggest that this variant may disrupt the consensus splice site. For these reasons, this variant has been classified as Pathogenic.

Genomic Medicine Center of Excellence, King Faisal Specialist Hospital and Research Centre
Classification: Pathogenic for PHGDH deficiency. Last evaluated: 2024-03-17. Review status: criteria provided, single submitter. Criteria: ACMG Guidelines, 2015. Collection method: research. Allele origin: germline.

Genome-Nilou Lab
Classification: Likely pathogenic for Neu-Laxova syndrome 1. Last evaluated: 2023-04-11. Review status: criteria provided, single submitter. Criteria: ACMG Guidelines, 2015. Collection method: clinical testing. Allele origin: germline. Affected: no.

Genome-Nilou Lab
Classification: Likely pathogenic for PHGDH deficiency. Last evaluated: 2023-04-11. Review status: criteria provided, single submitter. Criteria: ACMG Guidelines, 2015. Collection method: clinical testing. Allele origin: germline. Affected: no.

Revvity Omics, Revvity
Classification: Pathogenic. Last evaluated: 2021-03-15. Review status: criteria provided, single submitter. Criteria: ACMG Guidelines, 2015. Collection method: clinical testing. Allele origin: germline.

Baylor Genetics
Classification: Likely pathogenic for Neu-Laxova syndrome 1. Last evaluated: 2020-06-09. Review status: criteria provided, single submitter. Criteria: ACMG Guidelines, 2015. Collection method: clinical testing. Allele origin: unknown. Affected: yes.
Comment: This variant was determined to be likely pathogenic according to ACMG Guidelines, 2015 [PMID:25741868].

Genomic Research Center, Shahid Beheshti University of Medical Sciences
Classification: Pathogenic for Neu-Laxova syndrome 1. Last evaluated: 2017-12-03. Review status: criteria provided, single submitter. Criteria: ACMG Guidelines, 2015. Collection method: clinical testing. Allele origin: inherited.

Literature cited by the submitters: PubMed 32579715 (cited by Victorian Clinical Genetics Services, Murdoch Childrens Research Institute); PubMed 14645240 (cited by Labcorp Genetics (formerly Invitae), Labcorp); PubMed 24836451 (cited by Labcorp Genetics (formerly Invitae), Labcorp).

NM_006623.4(PHGDH):c.1030C>T (p.Arg344Ter)

Gene: PHGDH (phosphoglycerate dehydrogenase; plus strand). Cytogenetic location: 1p12.
Variant type: single nucleotide variant.
Coding change: c.1030C>T on transcript NM_006623.4 (MANE Select); coding-DNA position 1030, C replaced by T.
Protein change: p.Arg344Ter; replaces arginine 344 with a stop codon.
Molecular consequence: nonsense.
Genome position (GRCh38, 1-based): chr1:119,740,470, C>T. VCF-style: chr1-119740470-C-T. GRCh37 (hg19) VCF-style: chr1-120283093-C-T.
Other names: short protein forms R344*.
Identifiers: ClinVar variation 522743 (VCV000522743.21), dbSNP rs769256568, ClinGen allele CA1037334.
Genomic context (GRCh38, chr1:119,740,470, plus strand): 5'-GCCTTCTCTCCACACACCAAGCCTTGGATTGGTCTGGCAGAAGCTCTGGGGACACTGATG[C>T]GAGCCTGGGCTGGGTCCCCCAAAGGGACCATCCAGGTGATAACACAGGGTGAGCTGGGGA-3'